The following is an entry in ClinVar:

NM_014336.5(AIPL1):c.1112C>G (p.Ala371Gly)

Gene: AIPL1 (AIP like 1 HSP90 co-chaperone; minus strand). Cytogenetic location: 17p13.2.
Variant type: single nucleotide variant.
Coding change: c.1112C>G on transcript NM_014336.5 (MANE Select); coding-DNA position 1112, C replaced by G.
Protein change: p.Ala371Gly; replaces alanine 371 with glycine.
Molecular consequence: missense variant. On other transcripts: 3 prime UTR variant (1).
Genome position (GRCh38, 1-based): chr17:6,425,503, G>C on the plus strand (C>G on the coding strand, the complement: AIPL1 is on the minus strand). VCF-style: chr17-6425503-G-C. GRCh37 (hg19) VCF-style: chr17-6328823-G-C.
Other names: c.923C>G, p.Ala308Gly (NM_001033054.3); c.932C>G, p.Ala311Gly (NM_001033055.3); c.1076C>G, p.Ala359Gly (NM_001285399.3); c.1046C>G, p.Ala349Gly (NM_001285400.3); c.1040C>G, p.Ala347Gly (NM_001285401.3); c.995C>G, p.Ala332Gly (NM_001285402.2); c.*1083C>G (NM_001285403.4); short protein forms A308G, A359G, A371G, A311G, A349G, A332G, A347G.
Identifiers: ClinVar variation 1384035 (VCV001384035.7), dbSNP rs745586461, ClinGen allele CA8328308.

ClinVar aggregate classification (germline): Uncertain significance. Review status: criteria provided, multiple submitters, no conflicts (2 of 4 stars). 2 submissions from 2 submitters: Uncertain significance (2). Last evaluated 2024-10-24.

Conditions:
Leber congenital amaurosis 4 (LCA4). Identifiers: MedGen C1858386, MONDO:0011458, OMIM 604393.
Retinitis pigmentosa (RP). Identifiers: Orphanet 791, MedGen C0035334, MeSH D012174, MONDO:0019200, OMIM 268000. Inheritance: Autosomal dominant, autosomal recessive and X linked inheritance.

Allele frequency attached by ClinVar (database versions not stated): TOPMed below 0.00001; ExAC 0.00001; gnomAD exomes 0.00002 and 0.00004.
gnomAD v4.1: 10 of 1,608,294 alleles (0.00062%); highest among the groups gnomAD compares: Admixed American, 0.017%; no homozygotes.

Submissions (2):

Labcorp Genetics (formerly Invitae), Labcorp
Classification: Uncertain significance for Leber congenital amaurosis 4. Last evaluated: 2024-10-24. Review status: criteria provided, single submitter. Criteria: Invitae Variant Classification Sherloc (09022015). Collection method: clinical testing. Allele origin: germline.
Comment: This sequence change replaces alanine, which is neutral and non-polar, with glycine, which is neutral and non-polar, at codon 371 of the AIPL1 protein (p.Ala371Gly). This variant is present in population databases (rs745586461, gnomAD 0.03%). This variant has not been reported in the literature in individuals affected with AIPL1-related conditions. ClinVar contains an entry for this variant (Variation ID: 1384035). Invitae Evidence Modeling of protein sequence and biophysical properties (such as structural, functional, and spatial information, amino acid conservation, physicochemical variation, residue mobility, and thermodynamic stability) indicates that this missense variant is not expected to disrupt AIPL1 protein function with a negative predictive value of 95%. In summary, the available evidence is currently insufficient to determine the role of this variant in disease. Therefore, it has been classified as a Variant of Uncertain Significance.

Fulgent Genetics
Classification: Uncertain significance for Retinitis pigmentosa; Leber congenital amaurosis 4. Last evaluated: 2021-08-26. Review status: criteria provided, single submitter. Criteria: ACMG Guidelines, 2015. Collection method: clinical testing. Allele origin: unknown.